The following is an entry in ClinVar:

NM_004472.3(FOXD1):c.1143C>T (p.Ala381=)

Gene: FOXD1 (forkhead box D1; minus strand). Cytogenetic location: 5q13.2.
Variant type: single nucleotide variant.
Coding change: c.1143C>T on transcript NM_004472.3 (MANE Select); coding-DNA position 1143, C replaced by T.
Protein change: p.Ala381=; no amino-acid change (alanine 381 retained).
Molecular consequence: synonymous variant.
Genome position (GRCh38, 1-based): chr5:73,447,220, G>A on the plus strand (C>T on the coding strand, the complement: FOXD1 is on the minus strand). VCF-style: chr5-73447220-G-A. GRCh37 (hg19) VCF-style: chr5-72743047-G-A.
Identifiers: ClinVar variation 511653 (VCV000511653.1), dbSNP rs1194525095, ClinGen allele CA445095822.

ClinVar aggregate classification (germline): Likely benign (1 of 4 stars; one submission).

Submission:

GeneDx
Classification: Likely benign. Last evaluated: 2017-08-18. Review status: criteria provided, single submitter. Criteria: GeneDx Variant Classification (06012015). Collection method: clinical testing. Allele origin: germline. Affected: yes.
Comment: This variant is considered likely benign or benign based on one or more of the following criteria: it is a conservative change, it occurs at a poorly conserved position in the protein, it is predicted to be benign by multiple in silico algorithms, and/or has population frequency not consistent with disease.